The following is an entry in ClinVar:

NM_000540.3(RYR1):c.14188_14195del (p.Gly4730fs)

Gene: RYR1 (ryanodine receptor 1; plus strand). Cytogenetic location: 19q13.2.
Variant type: Deletion.
Coding change: c.14188_14195del on transcript NM_000540.3 (MANE Select); coding-DNA positions 14188 to 14195, 8 bases deleted (GGGGACAT; older notation c.14188_14195delGGGGACAT).
Protein change: p.Gly4730fs; shifts the reading frame from glycine 4730.
Molecular consequence: frameshift variant.
Genome position (GRCh38, 1-based): chr19:38,577,933-38,577,940, GGGGACAT deleted; deleting any 8 consecutive bases within chr19:38,577,929-38,577,940 gives the same sequence; the c. name uses the placement nearest the transcript's 3' end. VCF-style (leftmost placement, unchanged base first): chr19-38577928-AACATGGGG-A. GRCh37 (hg19) VCF-style: chr19-39068568-AACATGGGG-A.
Other names: c.14173_14180del, p.Gly4725fs (NM_001042723.2); short protein forms G4725fs, G4730fs.
Identifiers: ClinVar variation 5005989 (VCV005005989.2).

ClinVar aggregate classification (germline): Likely pathogenic (1 of 4 stars; one submission).

Conditions:
Congenital multicore myopathy with external ophthalmoplegia (CMYO1B). Also called: MULTIMINICORE DISEASE WITH EXTERNAL OPHTHALMOPLEGIA; Minicore myopathy with external ophthalmoplegia; Congenital myopathy 1B, autosomal recessive; Minicore myopathy; MULTICORE MYOPATHY. Identifiers: Orphanet 598, Orphanet 98905, MedGen C1850674, MONDO:0009712, OMIM 255320, HP:0003789.

Submission:

Juno Genomics, Hangzhou Juno Genomics, Inc
Classification: Likely pathogenic for Congenital multicore myopathy with external ophthalmoplegia. Review status: criteria provided, single submitter. Criteria: ACMG Guidelines, 2015. Collection method: clinical testing. Allele origin: germline.
Comment: Null variant in a gene where loss of function (LOF) is a known mechanism of disease.;Absent from controls (or at extremely low frequency if recessive) in Genome Aggregation Database.